The following is an entry in ClinVar:

NM_006208.3(ENPP1):c.*1539A>G

Gene: ENPP1 (ectonucleotide pyrophosphatase/phosphodiesterase 1; plus strand). Cytogenetic location: 6q23.2.
Variant type: single nucleotide variant.
Coding change: c.*1539A>G on transcript NM_006208.3 (MANE Select); 1539 bases downstream of the stop codon, A replaced by G.
Molecular consequence: 3 prime UTR variant.
Genome position (GRCh38, 1-based): chr6:131,892,050, A>G. VCF-style: chr6-131892050-A-G. GRCh37 (hg19) VCF-style: chr6-132213190-A-G.
Identifiers: ClinVar variation 355393 (VCV000355393.5), dbSNP rs9493121, ClinGen allele CA10622955.

ClinVar aggregate classification (germline): Benign. Review status: criteria provided, single submitter (1 of 4 stars). 2 submissions from 1 submitter: Benign (2). Last evaluated 2018-01-12.

Conditions:
Arterial calcification, generalized, of infancy, 1 (GACI1). Also called: Idiopathic Infantile Arterial Calcification. Identifiers: Orphanet 51608, MedGen C4551985, MONDO:0008817, OMIM 208000.
Hypophosphatemic rickets, autosomal recessive, 2 (ARHR2). Identifiers: Orphanet 289176, MedGen C2750078, MONDO:0013219, OMIM 613312.

Allele frequency attached by ClinVar (database versions not stated): gnomAD 0.15981 and 0.16942; 1000 Genomes Project 0.16054; 1000 Genomes Project 30x 0.17036; TOPMed 0.17990.

Submissions (2):

Illumina Laboratory Services, Illumina
Classification: Benign for Arterial calcification, generalized, of infancy, 1. Last evaluated: 2018-01-12. Review status: criteria provided, single submitter. Criteria: ICSL Variant Classification Criteria 13 December 2019. Collection method: clinical testing. Allele origin: germline.
Comment: This variant was observed in the ICSL laboratory as part of a predisposition screen in an ostensibly healthy population. It had not been previously curated by ICSL or reported in the Human Gene Mutation Database (HGMD: prior to June 1st, 2018), and was therefore a candidate for classification through an automated scoring system. Utilizing variant allele frequency, disease prevalence and penetrance estimates, and inheritance mode, an automated score was calculated to assess if this variant is too frequent to cause the disease. Based on the score and internal cut-off values, a variant classified as benign is not then subjected to further curation. The score for this variant resulted in a classification of benign for this disease.

Illumina Laboratory Services, Illumina
Classification: Benign for Hypophosphatemic rickets, autosomal recessive, 2. Last evaluated: 2018-01-12. Review status: criteria provided, single submitter. Criteria: ICSL Variant Classification Criteria 13 December 2019. Collection method: clinical testing. Allele origin: germline.
Comment: the same text as in the submission from Illumina Laboratory Services, Illumina above.